The following is an entry in ClinVar:

NM_015122.3(FCHO1):c.2105A>G (p.Gln702Arg)

Gene: FCHO1 (FCH and mu domain containing endocytic adaptor 1; plus strand). Cytogenetic location: 19p13.11.
Variant type: single nucleotide variant.
Coding change: c.2105A>G on transcript NM_015122.3 (MANE Select); coding-DNA position 2105, A replaced by G.
Protein change: p.Gln702Arg; replaces glutamine 702 with arginine.
Molecular consequence: missense variant. On other transcripts: non-coding transcript variant (35), intron variant (2).
Genome position (GRCh38, 1-based): chr19:17,784,114, A>G. VCF-style: chr19-17784114-A-G. GRCh37 (hg19) VCF-style: chr19-17894923-A-G.
Other names: c.2105A>G, p.Gln702Arg (NM_001161357.2, NM_001161358.2, NM_001384370.1 and 13 more transcripts); c.1955A>G, p.Gln652Arg (NM_001161359.2, NM_001384384.1, NM_001384385.1 and 1 more transcripts); c.2066A>G, p.Gln689Arg (NM_001384388.1, NM_001384389.1); c.2030A>G, p.Gln677Arg (NM_001384390.1); c.1988A>G, p.Gln663Arg (NM_001384392.1, NM_001384393.1, NM_001384394.1 and 1 more transcripts); c.1829A>G, p.Gln610Arg (NM_001384396.1, NM_001384397.1, NM_001384398.1 and 5 more transcripts); c.1784A>G, p.Gln595Arg (NM_001384403.1); c.1679A>G, p.Gln560Arg (NM_001384406.1); and 2 more; short protein forms Q652R, Q689R, Q610R, Q663R, Q702R, Q595R, Q677R, Q560R.
Identifiers: ClinVar variation 1995618 (VCV001995618.3), dbSNP rs1163298954, ClinGen allele CA404757079.
Genomic context (GRCh38, chr19:17,784,114, plus strand): 5'-TGGGAGGGCATGTCCCGAGGATTGGGGTGATCAGTCCGGGTCTCTGCAGTGACCCCTCCC[A>G]GAGTGACCCTGAGACCAAAGACTTCTGGCTCAACATGGCAGCTCTGACCGAAGCCCTGCA-3'
Protein context (NP_055937.1, residues 692-712): NADLLFSDPS[Gln702Arg]SDPETKDFWL

ClinVar aggregate classification (germline): Uncertain significance (1 of 4 stars; one submission).

Allele frequency attached by ClinVar (database versions not stated): gnomAD exomes 0.00001.
gnomAD v4.1: 3 of 1,614,116 alleles (0.00019%); highest among the groups gnomAD compares: East Asian, 0.0045%; no homozygotes.

Submission:

Labcorp Genetics (formerly Invitae), Labcorp
Classification: Uncertain significance. Last evaluated: 2022-05-17. Review status: criteria provided, single submitter. Criteria: Invitae Variant Classification Sherloc (09022015). Collection method: clinical testing. Allele origin: germline.
Comment: In summary, the available evidence is currently insufficient to determine the role of this variant in disease. Therefore, it has been classified as a Variant of Uncertain Significance. Algorithms developed to predict the effect of missense changes on protein structure and function are either unavailable or do not agree on the potential impact of this missense change (SIFT: "Tolerated"; PolyPhen-2: "Probably Damaging"; Align-GVGD: "Class C0"). This variant has not been reported in the literature in individuals affected with FCHO1-related conditions. This variant is present in population databases (no rsID available, gnomAD 0.006%). This sequence change replaces glutamine, which is neutral and polar, with arginine, which is basic and polar, at codon 702 of the FCHO1 protein (p.Gln702Arg).